The following is an entry in ClinVar:

NM_000732.6(CD3D):c.9_10del (p.His3fs)

Gene: CD3D (CD3 delta subunit of T-cell receptor complex; minus strand). Cytogenetic location: 11q23.3.
Variant type: Deletion.
Coding change: c.9_10del on transcript NM_000732.6 (MANE Select); coding-DNA positions 9 to 10, 2 bases deleted (TA; older notation c.9_10delTA).
Protein change: p.His3fs; shifts the reading frame from histidine 3.
Molecular consequence: frameshift variant.
Genome position (GRCh38, 1-based): chr11:118,342,598-118,342,599, TA deleted on the plus strand (TA on the coding strand, the reverse complement: CD3D is on the minus strand); deleting any 2 consecutive bases within chr11:118,342,598-118,342,600 gives the same sequence; the c. name uses the placement nearest the transcript's 3' end. VCF-style (leftmost placement, unchanged base first): chr11-118342597-CTA-C. GRCh37 (hg19) VCF-style: chr11-118213312-CTA-C.
Other names: c.9_10del, p.His3fs (NM_001040651.2); short protein forms H3fs.
Identifiers: ClinVar variation 2697867 (VCV002697867.3), dbSNP rs2496878055, ClinGen allele CA2697558981.

ClinVar aggregate classification (germline): Pathogenic (1 of 4 stars; one submission).

Conditions:
Immunodeficiency 19 (IMD19). Also called: IMMUNODEFICIENCY 19, SEVERE COMBINED; CD3-DELTA DEFICIENCY; SEVERE COMBINED IMMUNODEFICIENCY, T CELL-NEGATIVE, B CELL-POSITIVE, NK CELL-POSITIVE; SCID, T CELL-NEGATIVE, B CELL-POSITIVE, NK CELL-POSITIVE. Identifiers: MedGen C3810147, MONDO:0014280, OMIM 615617.

Submission:

Labcorp Genetics (formerly Invitae), Labcorp
Classification: Pathogenic for Immunodeficiency 19. Last evaluated: 2023-11-21. Review status: criteria provided, single submitter. Criteria: Invitae Variant Classification Sherloc (09022015). Collection method: clinical testing. Allele origin: germline.
Comment: This sequence change creates a premature translational stop signal (p.His3Glnfs*27) in the CD3D gene. It is expected to result in an absent or disrupted protein product. Loss-of-function variants in CD3D are known to be pathogenic (PMID: 14602880, 15546002). This variant is not present in population databases (gnomAD no frequency). This variant has not been reported in the literature in individuals affected with CD3D-related conditions. For these reasons, this variant has been classified as Pathogenic.

Literature cited by the submitters: PubMed 14602880; PubMed 15546002.